The following is an entry in ClinVar:

NM_001349338.3(FOXP1):c.356_367del (p.Gln119_Ser122del)

Gene: FOXP1 (forkhead box P1; minus strand). Cytogenetic location: 3p13.
Variant type: Deletion.
Coding change: c.356_367del on transcript NM_001349338.3 (MANE Select); coding-DNA positions 356 to 367, 12 bases deleted (AAGTGCTGAGCC).
Protein change: p.Gln119_Ser122del.
Molecular consequence: inframe deletion. On other transcripts: inframe indel (1), non-coding transcript variant (2), intron variant (1).
Genome position (GRCh38, 1-based): chr3:71,053,689-71,053,700, GGCTCAGCACTT deleted on the plus strand (AAGTGCTGAGCC on the coding strand, the reverse complement: FOXP1 is on the minus strand); deleting any 12 consecutive bases within chr3:71,053,689-71,053,701 gives the same sequence; the c. name uses the placement nearest the transcript's 3' end. VCF-style (leftmost placement, unchanged base first): chr3-71053688-GGGCTCAGCACTT-G. GRCh37 (hg19) VCF-style: chr3-71102839-GGGCTCAGCACTT-G.
Other names: c.356_367del, p.Gln119_Ser122del (NM_001244808.3, NM_001244810.2, NM_001244814.3 and 4 more transcripts); c.56_67del, p.Gln19_Ser22del (NM_001244813.3, NM_001244815.2, NM_001349337.2 and 4 more transcripts); c.355_366delCAAGTGCTGAGC, p.Gln119_Ser122del (NM_001349339.1); c.283-6605_283-6594del (NM_001244812.3).
Identifiers: ClinVar variation 2505769 (VCV002505769.1), dbSNP rs2545884951, ClinGen allele CA2580616499.

ClinVar aggregate classification (germline): Uncertain significance (1 of 4 stars; one submission).

Submission:

GeneDx
Classification: Uncertain significance. Last evaluated: 2022-12-19. Review status: criteria provided, single submitter. Criteria: GeneDx Variant Classification Process June 2021. Collection method: clinical testing. Allele origin: germline. Affected: yes.
Comment: In-frame deletion of 4 amino acids in a non-repeat region; Not observed at significant frequency in large population cohorts (gnomAD); In silico analysis supports a deleterious effect on protein structure/function; Has not been previously published as pathogenic or benign to our knowledge